The following is an entry in ClinVar:

NM_004519.4(KCNQ3):c.628G>A (p.Val210Met)

Gene: KCNQ3 (potassium voltage-gated channel subfamily Q member 3; minus strand). Cytogenetic location: 8q24.22.
Variant type: single nucleotide variant.
Coding change: c.628G>A on transcript NM_004519.4 (MANE Select); coding-DNA position 628, G replaced by A.
Protein change: p.Val210Met; replaces valine 210 with methionine.
Molecular consequence: missense variant.
Genome position (GRCh38, 1-based): chr8:132,180,306, C>T on the plus strand (G>A on the coding strand, the complement: KCNQ3 is on the minus strand). VCF-style: chr8-132180306-C-T. GRCh37 (hg19) VCF-style: chr8-133192553-C-T.
Other names: c.268G>A, p.Val90Met (NM_001204824.2); short protein forms V210M, V90M.
Identifiers: ClinVar variation 1721286 (VCV001721286.5), dbSNP rs2536952869, ClinGen allele CA372290963.
Genomic context (GRCh38, chr8:132,180,306, plus strand): 5'-GCAGGCTTCGCAGGGAGGTGGCCAGAACATTGCCTTGGTTTCCCACAGCAACCACTGGCA[C>T]AGAGGCAATCAGCACAAAGATGTCTGGGAGAGAGGACAGACAGAGTGGGAGGGAAGAGGG-3'
Protein context (NP_004510.1, residues 200-220): MLDIFVLIAS[Val210Met]PVVAVGNQGN

ClinVar aggregate classification (germline): Uncertain significance (1 of 4 stars; one submission).

Conditions:
Benign neonatal seizures. Also called: Convulsions benign familial neonatal dominant form; Autosomal dominant form of benign neonatal seizures; Benign neonatal familial convulsions; Benign familial neonatal epilepsy; Benign familial neonatal seizures. Identifiers: Orphanet 1949, MedGen C0220669, MONDO:0016027.

Submission:

Labcorp Genetics (formerly Invitae), Labcorp
Classification: Uncertain significance for Benign neonatal seizures. Last evaluated: 2022-10-08. Review status: criteria provided, single submitter. Criteria: Invitae Variant Classification Sherloc (09022015). Collection method: clinical testing. Allele origin: germline.
Comment: In summary, the available evidence is currently insufficient to determine the role of this variant in disease. Therefore, it has been classified as a Variant of Uncertain Significance. Advanced modeling of protein sequence and biophysical properties (such as structural, functional, and spatial information, amino acid conservation, physicochemical variation, residue mobility, and thermodynamic stability) performed at Invitae indicates that this missense variant is not expected to disrupt KCNQ3 protein function. This variant has not been reported in the literature in individuals affected with KCNQ3-related conditions. This variant is not present in population databases (gnomAD no frequency). This sequence change replaces valine, which is neutral and non-polar, with methionine, which is neutral and non-polar, at codon 210 of the KCNQ3 protein (p.Val210Met).